The following is an entry in ClinVar:

NM_000318.3(PEX2):c.312C>G (p.Ile104Met)

Gene: PEX2 (peroxisomal biogenesis factor 2; minus strand). Cytogenetic location: 8q21.13.
Variant type: single nucleotide variant.
Coding change: c.312C>G on transcript NM_000318.3 (MANE Select); coding-DNA position 312, C replaced by G.
Protein change: p.Ile104Met; replaces isoleucine 104 with methionine.
Molecular consequence: missense variant.
Genome position (GRCh38, 1-based): chr8:76,983,867, G>C on the plus strand (C>G on the coding strand, the complement: PEX2 is on the minus strand). VCF-style: chr8-76983867-G-C. GRCh37 (hg19) VCF-style: chr8-77896103-G-C.
Other names: c.312C>G, p.Ile104Met (NM_001079867.2, NM_001172086.2, NM_001172087.2); short protein forms I104M.
Identifiers: ClinVar variation 1016098 (VCV001016098.7), dbSNP rs1242924229, ClinGen allele CA371557621.

ClinVar aggregate classification (germline): Uncertain significance. Review status: criteria provided, single submitter (1 of 4 stars). 2 submissions from 2 submitters: Uncertain significance (1). 1 of the submissions does not count toward it. Last evaluated 2022-07-23.

Conditions:
Zellweger spectrum disorders (ZS). Also called: Zellweger Spectrum Disorder; Zellweger Spectrum; Zellweger Spectrum Disorder (ZSD); Zellweger syndrome. Identifiers: Orphanet 912, MedGen C0043459, MONDO:0019609.
Peroxisome biogenesis disorder 5A (Zellweger) (PBD5A). Identifiers: Orphanet 912, MedGen C3553940, MONDO:0013932, OMIM 614866.

Allele frequency attached by ClinVar (database versions not stated): gnomAD 0.00001; TOPMed 0.00002.
gnomAD v4.1: 15 of 1,613,956 alleles (0.00093%); highest among the groups gnomAD compares: Non-Finnish European, 0.0013%; no homozygotes.

Submissions (2):

Labcorp Genetics (formerly Invitae), Labcorp
Classification: Uncertain significance for Peroxisome biogenesis disorder 5A (Zellweger). Last evaluated: 2022-07-23. Review status: criteria provided, single submitter. Criteria: Invitae Variant Classification Sherloc (09022015). Collection method: clinical testing. Allele origin: germline.
Comment: This sequence change replaces isoleucine, which is neutral and non-polar, with methionine, which is neutral and non-polar, at codon 104 of the PEX2 protein (p.Ile104Met). This variant is not present in population databases (gnomAD no frequency). This variant has not been reported in the literature in individuals affected with PEX2-related conditions. ClinVar contains an entry for this variant (Variation ID: 1016098). Algorithms developed to predict the effect of missense changes on protein structure and function (SIFT, PolyPhen-2, Align-GVGD) all suggest that this variant is likely to be tolerated. In summary, the available evidence is currently insufficient to determine the role of this variant in disease. Therefore, it has been classified as a Variant of Uncertain Significance.

Natera, Inc.
Classification: Uncertain significance for Zellweger syndrome. Last evaluated: 2020-12-11. Review status: no assertion criteria provided. Collection method: clinical testing. Allele origin: germline. Not counted in ClinVar's aggregate classification.